The following is an entry in ClinVar:

ClinVar aggregate classification (germline): Uncertain significance (1 of 4 stars; one submission).

Submission:

Labcorp Genetics (formerly Invitae), Labcorp
Classification: Uncertain significance. Last evaluated: 2024-08-28. Review status: criteria provided, single submitter. Criteria: Invitae Variant Classification Sherloc (09022015). Collection method: clinical testing. Allele origin: germline.
Comment: This sequence change falls in intron 5 of the POGLUT1 gene. It does not directly change the encoded amino acid sequence of the POGLUT1 protein. It affects a nucleotide within the consensus splice site. This variant is not present in population databases (gnomAD no frequency). This variant has not been reported in the literature in individuals affected with POGLUT1-related conditions. Variants that disrupt the consensus splice site are a relatively common cause of aberrant splicing (PMID: 17576681, 9536098). Algorithms developed to predict the effect of sequence changes on RNA splicing suggest that this variant may disrupt the consensus splice site. In summary, the available evidence is currently insufficient to determine the role of this variant in disease. Therefore, it has been classified as a Variant of Uncertain Significance.

Literature cited by the submitters: PubMed 17576681; PubMed 9536098.

NM_152305.3(POGLUT1):c.578+6T>G

Gene: POGLUT1 (protein O-glucosyltransferase 1; plus strand). Cytogenetic location: 3q13.33.
Variant type: single nucleotide variant.
Coding change: c.578+6T>G on transcript NM_152305.3 (MANE Select); 6 bases into the intron after coding-DNA position 578, T replaced by G.
Molecular consequence: intron variant.
Genome position (GRCh38, 1-based): chr3:119,480,178, T>G. VCF-style: chr3-119480178-T-G. GRCh37 (hg19) VCF-style: chr3-119199025-T-G.
Identifiers: ClinVar variation 3682251 (VCV003682251.2).